The following is an entry in ClinVar:

NM_000551.4(VHL):c.-3G>T

Gene: VHL (von Hippel-Lindau tumor suppressor; plus strand). Cytogenetic location: 3p25.3.
Variant type: single nucleotide variant.
Coding change: c.-3G>T on transcript NM_000551.4 (MANE Select); 3 bases upstream of the start codon, G replaced by T.
Molecular consequence: 5 prime UTR variant. On other transcripts: non-coding transcript variant (1).
Genome position (GRCh38, 1-based): chr3:10,141,845, G>T. VCF-style: chr3-10141845-G-T. GRCh37 (hg19) VCF-style: chr3-10183529-G-T.
Other names: c.-3G>T (NM_001354723.2, NM_198156.3).
Identifiers: ClinVar variation 3332036 (VCV003332036.1).

ClinVar aggregate classification (germline): Uncertain significance (1 of 4 stars; one submission).

Conditions:
Hereditary cancer-predisposing syndrome. Also called: Neoplastic Syndromes, Hereditary; Tumor predisposition; Hereditary neoplastic syndrome; Hereditary Cancer Syndrome. Identifiers: Orphanet 140162, MedGen C0027672, MeSH D009386, MONDO:0015356.

Submission:

Ambry Genetics
Classification: Uncertain significance for Hereditary cancer-predisposing syndrome. Last evaluated: 2024-05-23. Review status: criteria provided, single submitter. Criteria: Ambry Variant Classification Scheme 2023. Collection method: clinical testing. Allele origin: germline.
Comment: The c.-3G>T variant is located in the 5' untranslated region (5&rsquo; UTR) of the VHL gene. This variant results from a G to T substitution 3 bases upstream from the first translated codon. This nucleotide position is well conserved in available vertebrate species. Based on the available evidence, the clinical significance of this variant remains unclear.